The following is an entry in ClinVar:

NM_004984.4(KIF5A):c.819T>C (p.Thr273=)

Gene: KIF5A (kinesin family member 5A; plus strand). Cytogenetic location: 12q13.3.
Variant type: single nucleotide variant.
Coding change: c.819T>C on transcript NM_004984.4 (MANE Select); coding-DNA position 819, T replaced by C.
Protein change: p.Thr273=; no amino-acid change (threonine 273 retained).
Molecular consequence: synonymous variant.
Genome position (GRCh38, 1-based): chr12:57,569,067, T>C. VCF-style: chr12-57569067-T-C. GRCh37 (hg19) VCF-style: chr12-57962850-T-C.
Other names: c.552T>C, p.Thr184= (NM_001354705.2).
Identifiers: ClinVar variation 2582905 (VCV002582905.27), dbSNP rs2540499492, ClinGen allele CA480264087.

ClinVar aggregate classification (germline): Conflicting classifications of pathogenicity. Review status: criteria provided, conflicting classifications (1 of 4 stars). 2 submissions from 2 submitters: Uncertain significance (1); Likely benign (1). Last evaluated 2024-09-01.

Conditions:
Spastic paraplegia. Identifiers: MedGen C0037772, HP:0001258.

Allele frequency attached by ClinVar (database versions not stated): gnomAD exomes below 0.00001.
gnomAD v4.1: 1 of 1,611,360 alleles (0.000062%); highest among the groups gnomAD compares: Non-Finnish European, 0.000085%; no homozygotes.

Submissions (2):

Labcorp Genetics (formerly Invitae), Labcorp
Classification: Uncertain significance for Spastic paraplegia. Last evaluated: 2024-09-01. Review status: criteria provided, single submitter. Criteria: Invitae Variant Classification Sherloc (09022015). Collection method: clinical testing. Allele origin: germline.
Comment: This sequence change affects codon 273 of the KIF5A mRNA. It is a 'silent' change, meaning that it does not change the encoded amino acid sequence of the KIF5A protein. It affects a nucleotide within the consensus splice site. This variant is not present in population databases (gnomAD no frequency). This variant has not been reported in the literature in individuals affected with KIF5A-related conditions. ClinVar contains an entry for this variant (Variation ID: 2582905). Algorithms developed to predict the effect of sequence changes on RNA splicing suggest that this variant is not likely to affect RNA splicing. In summary, the available evidence is currently insufficient to determine the role of this variant in disease. Therefore, it has been classified as a Variant of Uncertain Significance.

CeGaT Center for Human Genetics Tuebingen
Classification: Likely benign. Last evaluated: 2023-09-01. Review status: criteria provided, single submitter. Criteria: CeGaT Center For Human Genetics Tuebingen Variant Classification Criteria Version 2. Collection method: clinical testing. Allele origin: germline. Affected: yes. Observed: 1 variant allele.
Comment: KIF5A: PM2:Supporting, BP4, BP7